The following is an entry in ClinVar:

ClinVar aggregate classification (germline): Pathogenic (1 of 4 stars; one submission).

Conditions:
PRPH2-related disorder. Also called: PRPH2-related disorders; PRPH2-related condition. Identifiers: MedGen CN239395.

Submission:

Labcorp Genetics (formerly Invitae), Labcorp
Classification: Pathogenic for PRPH2-related disorder. Last evaluated: 2024-06-12. Review status: criteria provided, single submitter. Criteria: Invitae Variant Classification Sherloc (09022015). Collection method: clinical testing. Allele origin: germline.
Comment: This sequence change affects the initiator methionine of the PRPH2 mRNA. The next in-frame methionine is located at codon 23. This variant is not present in population databases (gnomAD no frequency). Disruption of the initiator codon has been observed in individuals with clinical features of autosomal dominant PRPH2-related conditions (PMID: 9338584, 25472526, 29555955; Invitae). This variant is also known as M1T. For these reasons, this variant has been classified as Pathogenic.

Literature cited by the submitters: PubMed 9338584; PubMed 25472526; PubMed 29555955.

NM_000322.5(PRPH2):c.3G>A (p.Met1Ile)

Gene: PRPH2 (peripherin 2; minus strand). Cytogenetic location: 6p21.1.
Variant type: single nucleotide variant.
Coding change: c.3G>A on transcript NM_000322.5 (MANE Select); coding-DNA position 3, G replaced by A.
Protein change: p.Met1Ile; changes the start codon (methionine 1).
Molecular consequence: missense variant, initiator codon variant.
Genome position (GRCh38, 1-based): chr6:42,722,332, C>T on the plus strand (G>A on the coding strand, the complement: PRPH2 is on the minus strand). VCF-style: chr6-42722332-C-T. GRCh37 (hg19) VCF-style: chr6-42690070-C-T.
Other names: short protein forms M1I.
Identifiers: ClinVar variation 3656443 (VCV003656443.2).